The following is an entry in ClinVar:

NM_001142966.3(GREB1L):c.3200C>G (p.Thr1067Arg)

Gene: GREB1L (GREB1 like retinoic acid receptor coactivator; plus strand). Cytogenetic location: 18q11.1.
Variant type: single nucleotide variant.
Coding change: c.3200C>G on transcript NM_001142966.3 (MANE Select); coding-DNA position 3200, C replaced by G.
Protein change: p.Thr1067Arg; replaces threonine 1067 with arginine.
Molecular consequence: missense variant.
Genome position (GRCh38, 1-based): chr18:21,496,507, C>G. VCF-style: chr18-21496507-C-G. GRCh37 (hg19) VCF-style: chr18-19076468-C-G.
Other names: c.3329C>G, p.Thr1110Arg (NM_001410867.1); c.2873C>G, p.Thr958Arg (NM_001410868.1); short protein forms T1067R, T1110R, T958R.
Identifiers: ClinVar variation 1710670 (VCV001710670.6), dbSNP rs1235291946, ClinGen allele CA401748122.

ClinVar aggregate classification (germline): Uncertain significance. Review status: criteria provided, multiple submitters, no conflicts (2 of 4 stars). 2 submissions from 2 submitters: Uncertain significance (2). Last evaluated 2025-05-08.

Submissions (2):

GeneDx
Classification: Uncertain significance. Last evaluated: 2025-05-08. Review status: criteria provided, single submitter. Criteria: GeneDx Variant Classification Process June 2021. Collection method: clinical testing. Allele origin: germline. Affected: yes.
Comment: Not observed at significant frequency in large population cohorts (gnomAD); In silico analysis supports that this missense variant has a deleterious effect on protein structure/function; In silico analysis suggests this variant may impact gene splicing. In the absence of RNA/functional studies, the actual effect of this sequence change is unknown.; Has not been previously published as pathogenic or benign to our knowledge

Labcorp Genetics (formerly Invitae), Labcorp
Classification: Uncertain significance. Last evaluated: 2024-03-12. Review status: criteria provided, single submitter. Criteria: Invitae Variant Classification Sherloc (09022015). Collection method: clinical testing. Allele origin: germline.
Comment: This sequence change replaces threonine, which is neutral and polar, with arginine, which is basic and polar, at codon 1067 of the GREB1L protein (p.Thr1067Arg). This variant is not present in population databases (gnomAD no frequency). This variant has not been reported in the literature in individuals affected with GREB1L-related conditions. This missense change has been observed in at least one individual who was not affected with GREB1L-related conditions (Invitae). ClinVar contains an entry for this variant (Variation ID: 1710670). An algorithm developed to predict the effect of missense changes on protein structure and function (PolyPhen-2) suggests that this variant is likely to be disruptive. Algorithms developed to predict the effect of sequence changes on RNA splicing suggest that this variant may disrupt the consensus splice site. In summary, the available evidence is currently insufficient to determine the role of this variant in disease. Therefore, it has been classified as a Variant of Uncertain Significance.